The following is an entry in ClinVar:

NM_000038.6(APC):c.6875T>G (p.Ile2292Arg)

Gene: APC (APC regulator of Wnt signaling pathway; plus strand). Cytogenetic location: 5q22.2.
Variant type: single nucleotide variant.
Coding change: c.6875T>G on transcript NM_000038.6 (MANE Select); coding-DNA position 6875, T replaced by G.
Protein change: p.Ile2292Arg; replaces isoleucine 2292 with arginine.
Molecular consequence: missense variant.
Genome position (GRCh38, 1-based): chr5:112,842,469, T>G. VCF-style: chr5-112842469-T-G. GRCh37 (hg19) VCF-style: chr5-112178166-T-G.
Other names: c.6875T>G, p.Ile2292Arg (NM_001127510.3, NM_001354895.2); c.6821T>G, p.Ile2274Arg (NM_001127511.3); c.6929T>G, p.Ile2310Arg (NM_001354896.2); c.6905T>G, p.Ile2302Arg (NM_001354897.2); c.6800T>G, p.Ile2267Arg (NM_001354898.2); c.6791T>G, p.Ile2264Arg (NM_001354899.2); c.6752T>G, p.Ile2251Arg (NM_001354900.2); c.6698T>G, p.Ile2233Arg (NM_001354901.2); and 5 more; short protein forms I2132R, I2166R, I2191R, I2201R, I2264R, I2292R, I2233R, I2267R.
Identifiers: ClinVar variation 1518130 (VCV001518130.10), dbSNP rs762705847, ClinGen allele CA16036337.

ClinVar aggregate classification (germline): Uncertain significance. Review status: criteria provided, multiple submitters, no conflicts (2 of 4 stars). 3 submissions from 3 submitters: Uncertain significance (3). Last evaluated 2025-05-04.

Conditions:
Hereditary cancer-predisposing syndrome. Also called: Tumor predisposition; Neoplastic Syndromes, Hereditary; Hereditary neoplastic syndrome; Hereditary Cancer Syndrome. Identifiers: Orphanet 140162, MedGen C0027672, MeSH D009386, MONDO:0015356.
Familial adenomatous polyposis 1 (FAP1). Also called: FAMILIAL ADENOMATOUS POLYPOSIS 1, ATTENUATED; POLYPOSIS, ADENOMATOUS INTESTINAL. Identifiers: MedGen C2713442, MONDO:0021056, OMIM 175100. Disease mechanism: loss of function.

Submissions (3):

Ambry Genetics
Classification: Uncertain significance for Hereditary cancer-predisposing syndrome. Last evaluated: 2025-05-04. Review status: criteria provided, single submitter. Criteria: Ambry Variant Classification Scheme 2023. Collection method: clinical testing. Allele origin: germline.
Comment: The p.I2292R variant (also known as c.6875T>G), located in coding exon 15 of the APC gene, results from a T to G substitution at nucleotide position 6875. The isoleucine at codon 2292 is replaced by arginine, an amino acid with similar properties. This amino acid position is conserved. In addition, in silico predictors for this gene do not accurately predict pathogenicity. Based on the available evidence, the clinical significance of this variant remains unclear.

Labcorp Genetics (formerly Invitae), Labcorp
Classification: Uncertain significance for Familial adenomatous polyposis 1. Last evaluated: 2024-05-29. Review status: criteria provided, single submitter. Criteria: Invitae Variant Classification Sherloc (09022015). Collection method: clinical testing. Allele origin: germline.
Comment: This sequence change replaces isoleucine, which is neutral and non-polar, with arginine, which is basic and polar, at codon 2292 of the APC protein (p.Ile2292Arg). This variant is not present in population databases (gnomAD no frequency). This variant has not been reported in the literature in individuals affected with APC-related conditions. ClinVar contains an entry for this variant (Variation ID: 1518130). Advanced modeling of protein sequence and biophysical properties (such as structural, functional, and spatial information, amino acid conservation, physicochemical variation, residue mobility, and thermodynamic stability) performed at Invitae indicates that this missense variant is not expected to disrupt APC protein function with a negative predictive value of 95%. In summary, the available evidence is currently insufficient to determine the role of this variant in disease. Therefore, it has been classified as a Variant of Uncertain Significance.

Women's Health and Genetics/Laboratory Corporation of America, LabCorp
Classification: Uncertain significance. Last evaluated: 2022-03-03. Review status: criteria provided, single submitter. Criteria: LabCorp Variant Classification Summary - May 2015. Collection method: clinical testing. Allele origin: germline.
Comment: Variant summary: APC c.6875T>G (p.Ile2292Arg) results in a non-conservative amino acid change located in the Adenomatous polyposis coli protein basic domain (IPR009234) of the encoded protein sequence. Four of five in-silico tools predict a benign effect of the variant on protein function. The variant was absent in 250972 control chromosomes (gnomAD). The available data on variant occurrences in the general population are insufficient to allow any conclusion about variant significance. To our knowledge, no occurrence of c.6875T>G in individuals affected with Familial Adenomatous Polyposis and no experimental evidence demonstrating its impact on protein function have been reported. Two ClinVar submitters have assessed the variant since 2014: both classified the variant as of uncertain significance. Based on the evidence outlined above, the variant was classified as uncertain significance.